The following is an entry in ClinVar:

NM_001084.5(PLOD3):c.748A>G (p.Ile250Val)

Gene: PLOD3 (procollagen-lysine,2-oxoglutarate 5-dioxygenase 3; minus strand). Cytogenetic location: 7q22.1.
Variant type: single nucleotide variant.
Coding change: c.748A>G on transcript NM_001084.5 (MANE Select); coding-DNA position 748, A replaced by G.
Protein change: p.Ile250Val; replaces isoleucine 250 with valine.
Molecular consequence: missense variant.
Genome position (GRCh38, 1-based): chr7:101,213,136, T>C on the plus strand (A>G on the coding strand, the complement: PLOD3 is on the minus strand). VCF-style: chr7-101213136-T-C. GRCh37 (hg19) VCF-style: chr7-100856417-T-C.
Other names: short protein forms I250V.
Identifiers: ClinVar variation 3357460 (VCV003357460.2).

ClinVar aggregate classification (germline): Likely benign. Review status: criteria provided, single submitter (1 of 4 stars). 2 submissions from 2 submitters: Likely benign (1). 1 of the submissions does not count toward it. Last evaluated 2025-10-29.

Conditions:
Inborn genetic diseases. Identifiers: MedGen C0950123, MeSH D030342.
PLOD3-related disorder. Also called: PLOD3-related condition.

gnomAD v4.1: 39 of 1,613,428 alleles (0.0024%); highest among the groups gnomAD compares: African/African-American, 0.04%; no homozygotes.

Submissions (2):

Ambry Genetics
Classification: Likely benign for Inborn genetic diseases. Last evaluated: 2025-10-29. Review status: criteria provided, single submitter. Criteria: Ambry Variant Classification Scheme 2023. Collection method: clinical testing. Allele origin: germline.

PreventionGenetics, part of Exact Sciences
Classification: Uncertain significance for PLOD3-related condition. Last evaluated: 2024-08-06. Review status: no assertion criteria provided. Collection method: clinical testing. Allele origin: germline. Not counted in ClinVar's aggregate classification.
Comment: The PLOD3 c.748A>G variant is predicted to result in the amino acid substitution p.Ile250Val. To our knowledge, this variant has not been reported in the literature or in a large population database, indicating this variant is rare. Although we suspect that this variant may be benign, at this time, the clinical significance of this variant is uncertain due to the absence of conclusive functional and genetic evidence.